The following is an entry in ClinVar:

ClinVar aggregate classification (germline): Uncertain significance (1 of 4 stars; one submission).

Allele frequency attached by ClinVar (database versions not stated): gnomAD exomes below 0.00001; TOPMed below 0.00001.

Submission:

GeneDx
Classification: Uncertain significance. Last evaluated: 2022-07-07. Review status: criteria provided, single submitter. Criteria: GeneDx Variant Classification Process June 2021. Collection method: clinical testing. Allele origin: germline. Affected: yes.
Comment: Frameshift variant predicted to result in protein truncation as the last 67 amino acids are replaced with 25 different amino acids, although loss-of-function variants have not been reported downstream of this position in the protein; Not observed at significant frequency in large population cohorts (gnomAD); Has not been previously published as pathogenic or benign to our knowledge

NM_014855.3(AP5Z1):c.2209_2221dup (p.Glu741fs)

Gene: AP5Z1 (adaptor related protein complex 5 subunit zeta 1; plus strand). Cytogenetic location: 7p22.1.
Variant type: Duplication.
Coding change: c.2209_2221dup on transcript NM_014855.3 (MANE Select); coding-DNA positions 2209 to 2221, 13 bases duplicated (TCCACGCACAGCG).
Protein change: p.Glu741fs; shifts the reading frame from glutamic acid 741.
Molecular consequence: frameshift variant. On other transcripts: non-coding transcript variant (1).
Genome position (GRCh38, 1-based): chr7:4,791,170-4,791,182, TCCACGCACAGCG duplicated. VCF-style (leftmost placement, unchanged base first): chr7-4791169-C-CTCCACGCACAGCG. GRCh37 (hg19) VCF-style: chr7-4830800-C-CTCCACGCACAGCG.
Other names: c.1741_1753dup, p.Glu585fs (NM_001364858.1); short protein forms E585fs, E741fs.
Identifiers: ClinVar variation 1810620 (VCV001810620.1), dbSNP rs1230017159, ClinGen allele CA572819277.